The following is an entry in ClinVar:

ClinVar aggregate classification (germline): Conflicting classifications of pathogenicity. Review status: criteria provided, conflicting classifications (1 of 4 stars). 5 submissions from 5 submitters: Uncertain significance (4); Likely benign (1). Last evaluated 2026-08-27.

Conditions:
Hereditary cancer-predisposing syndrome. Also called: Tumor predisposition; Hereditary neoplastic syndrome; Neoplastic Syndromes, Hereditary; Hereditary Cancer Syndrome. Identifiers: Orphanet 140162, MedGen C0027672, MeSH D009386, MONDO:0015356.
Hirschsprung disease, susceptibility to, 1 (HSCR1). Also called: RET-Related Hirschsprung Disease. Identifiers: Orphanet 388, MedGen C3888239, MONDO:0007723, OMIM 142623.
Multiple endocrine neoplasia, type 2 (MEN2). Identifiers: Orphanet 653, MedGen C4048306, MONDO:0019003. Disease mechanism: gain of function.

gnomAD v4.1: 6 of 1,571,836 alleles (0.00038%); highest among the groups gnomAD compares: South Asian, 0.0011%; no homozygotes.

Submissions (5):

Ambry Genetics
Classification: Likely benign for Hereditary cancer-predisposing syndrome. Last evaluated: 2026-08-27. Review status: criteria provided, single submitter. Criteria: Ambry Variant Classification Scheme 2023. Collection method: clinical testing. Allele origin: germline.

Labcorp Genetics (formerly Invitae), Labcorp
Classification: Uncertain significance for Multiple endocrine neoplasia, type 2. Last evaluated: 2024-03-07. Review status: criteria provided, single submitter. Criteria: Invitae Variant Classification Sherloc (09022015). Collection method: clinical testing. Allele origin: germline.
Comment: This sequence change replaces arginine, which is basic and polar, with histidine, which is basic and polar, at codon 215 of the RET protein (p.Arg215His). The frequency data for this variant in the population databases is considered unreliable, as metrics indicate poor data quality at this position in the gnomAD database. This variant has not been reported in the literature in individuals affected with RET-related conditions. ClinVar contains an entry for this variant (Variation ID: 826412). Algorithms developed to predict the effect of missense changes on protein structure and function output the following: SIFT: "Not Available"; PolyPhen-2: "Benign"; Align-GVGD: "Not Available". The histidine amino acid residue is found in multiple mammalian species, which suggests that this missense change does not adversely affect protein function. In summary, the available evidence is currently insufficient to determine the role of this variant in disease. Therefore, it has been classified as a Variant of Uncertain Significance.

Baylor Genetics
Classification: Uncertain significance for Hirschsprung disease, susceptibility to, 1. Last evaluated: 2024-02-13. Review status: criteria provided, single submitter. Criteria: ACMG Guidelines, 2015. Collection method: clinical testing. Allele origin: unknown.

All of Us Research Program, National Institutes of Health
Classification: Uncertain significance for Multiple endocrine neoplasia, type 2. Last evaluated: 2023-08-28. Review status: criteria provided, single submitter. Criteria: ACMG Guidelines, 2015. Collection method: clinical testing. Allele origin: germline. Inheritance: Autosomal dominant inheritance. Observed: 1 variant allele, 1 heterozygote.
Comment: This missense variant replaces arginine with histidine at codon 215 of the RET protein. Computational prediction suggests that this variant may not impact protein structure and function (internally defined REVEL score threshold <= 0.5, PMID: 27666373). To our knowledge, functional studies have not been reported for this variant. This variant has not been reported in individuals affected with RET-related disorders in the literature. This variant has been identified in 1/187018 chromosomes in the general population by the Genome Aggregation Database (gnomAD). The available evidence is insufficient to determine the role of this variant in disease conclusively. Therefore, this variant is classified as a Variant of Uncertain Significance.

This study involves interpretation of variants in research participants for the purpose of population health screening. Participant phenotype was not available at the time of variant classification. Additional details can be found in publication PMID: 35346344, PMCID: PMC8962531

Color Diagnostics, LLC DBA Color Health
Classification: Uncertain significance for Multiple endocrine neoplasia, type 2. Last evaluated: 2023-08-17. Review status: criteria provided, single submitter. Criteria: ACMG Guidelines, 2015. Collection method: clinical testing. Allele origin: germline.
Comment: This missense variant replaces arginine with histidine at codon 215 of the RET protein. Computational prediction suggests that this variant may not impact protein structure and function. To our knowledge, functional studies have not been reported for this variant. This variant has not been reported in individuals affected with RET-related disorders in the literature. This variant has been identified in 1/187018 chromosomes in the general population by the Genome Aggregation Database (gnomAD). The available evidence is insufficient to determine the role of this variant in disease conclusively. Therefore, this variant is classified as a Variant of Uncertain Significance.

NM_020975.6(RET):c.644G>A (p.Arg215His)

Gene: RET (ret proto-oncogene; plus strand). Cytogenetic location: 10q11.21.
Variant type: single nucleotide variant.
Coding change: c.644G>A on transcript NM_020975.6 (MANE Select); coding-DNA position 644, G replaced by A.
Protein change: p.Arg215His; replaces arginine 215 with histidine.
Molecular consequence: missense variant.
Genome position (GRCh38, 1-based): chr10:43,104,970, G>A. VCF-style: chr10-43104970-G-A. GRCh37 (hg19) VCF-style: chr10-43600418-G-A.
Other names: c.644G>A, p.Arg215His (NM_000323.2, NM_001406743.1, NM_001406744.1 and 8 more transcripts); c.-119G>A (NM_001355216.2); c.515G>A, p.Arg172His (NM_001406761.1, NM_001406762.1, NM_001406764.1 and 2 more transcripts); c.356G>A, p.Arg119His (NM_001406766.1, NM_001406767.1, NM_001406770.1); short protein forms R215H, R119H, R172H.
Identifiers: ClinVar variation 826412 (VCV000826412.15), dbSNP rs748128929, ClinGen allele CA044406.